The following is an entry in ClinVar:

ClinVar aggregate classification (germline): Pathogenic (1 of 4 stars; one submission).

gnomAD v4.1: 3 of 1,609,482 alleles (0.00019%); highest among the groups gnomAD compares: Non-Finnish European, 0.000085%; no homozygotes.

Submission:

Labcorp Genetics (formerly Invitae), Labcorp
Classification: Pathogenic. Last evaluated: 2022-10-17. Review status: criteria provided, single submitter. Criteria: Invitae Variant Classification Sherloc (09022015). Collection method: clinical testing. Allele origin: germline.
Comment: For these reasons, this variant has been classified as Pathogenic. This variant has not been reported in the literature in individuals affected with CARMIL2-related conditions. This variant is not present in population databases (gnomAD no frequency). This sequence change creates a premature translational stop signal (p.Arg290*) in the CARMIL2 gene. It is expected to result in an absent or disrupted protein product. Loss-of-function variants in CARMIL2 are known to be pathogenic (PMID: 27647349, 28112205).

Literature cited by the submitters: PubMed 27647349; PubMed 28112205.

NM_001013838.3(CARMIL2):c.868C>T (p.Arg290Ter)

Gene: CARMIL2 (capping protein regulator and myosin 1 linker 2; plus strand). Cytogenetic location: 16q22.1.
Variant type: single nucleotide variant.
Coding change: c.868C>T on transcript NM_001013838.3 (MANE Select); coding-DNA position 868, C replaced by T.
Protein change: p.Arg290Ter; replaces arginine 290 with a stop codon.
Molecular consequence: nonsense.
Genome position (GRCh38, 1-based): chr16:67,647,599, C>T. VCF-style: chr16-67647599-C-T. GRCh37 (hg19) VCF-style: chr16-67681502-C-T.
Other names: c.868C>T, p.Arg290Ter (NM_001317026.3); short protein forms R290*.
Identifiers: ClinVar variation 2122854 (VCV002122854.4), dbSNP rs1270039585, ClinGen allele CA396333104.
Genomic context (GRCh38, chr16:67,647,599, plus strand): 5'-GCGGGACACTCAAGCTCTGGGCTGCGGGAGCTCAGCCTCGCGGGGAACCTGCTGGATGAC[C>T]GAGGTATGACTGAGCCTGGGGACCGCAGGGGTGGGCAGCAGGAGGAGGTGAGACCCACGT-3'